The following is an entry in ClinVar:

NC_000005.10:g.(?_179343757)_(179345338_?)dup

Gene: ADAMTS2 (ADAM metallopeptidase with thrombospondin type 1 motif 2; minus strand). Cytogenetic location: 5q35.3.
Variant type: Duplication.
Identifiers: ClinVar variation 831104 (VCV000831104.1).

ClinVar aggregate classification (germline): Uncertain significance (1 of 4 stars; one submission).

Conditions:
Ehlers-Danlos syndrome, dermatosparaxis type. Also called: Dermatosparaxis; EDS VIIC; Ehlers-Danlos syndrome, type VII, autosomal recessive. Identifiers: Orphanet 1901, MedGen C2700425, MONDO:0009161, OMIM 225410.

Submission:

Labcorp Genetics (formerly Invitae), Labcorp
Classification: Uncertain significance for Ehlers-Danlos syndrome dermatosparaxis type. Last evaluated: 2019-04-11. Review status: criteria provided, single submitter. Criteria: Invitae Variant Classification Sherloc (09022015). Collection method: clinical testing. Allele origin: germline.
Comment: This variant is a gross duplication of the genomic region encompassing exons 1-2 of the ADAMTS2 gene. The 5' end of this event is unknown as it extends beyond the assayed region for this gene and therefore may encompass additional genes. The 3' boundary is likely confined to intron 2 of the ADAMTS2 gene. The exact location of this variant in the genome is unknown. This variant has not been reported in the literature in individuals with ADAMTS2-related disease. In summary, the available evidence is currently insufficient to determine the role of this variant in disease. Therefore, it has been classified as a Variant of Uncertain Significance.